The following is an entry in ClinVar:

ClinVar aggregate classification (germline): Likely benign. Review status: criteria provided, single submitter (1 of 4 stars). 2 submissions from 2 submitters: Likely benign (1). 1 of the submissions does not count toward it. Last evaluated 2025-07-29.

Conditions:
NRIP1-related disorder. Also called: NRIP1-related condition.

Allele frequency attached by ClinVar (database versions not stated): TOPMed below 0.00001; ExAC 0.00001.
gnomAD v4.1: 7 of 1,614,046 alleles (0.00043%); highest among the groups gnomAD compares: East Asian, 0.0067%; no homozygotes.

Submissions (2):

Labcorp Genetics (formerly Invitae), Labcorp
Classification: Likely benign. Last evaluated: 2025-07-29. Review status: criteria provided, single submitter. Criteria: Invitae Variant Classification Sherloc (09022015). Collection method: clinical testing. Allele origin: germline.

PreventionGenetics, part of Exact Sciences
Classification: Likely benign for NRIP1-related condition. Last evaluated: 2023-08-22. Review status: no assertion criteria provided. Collection method: clinical testing. Allele origin: germline. Not counted in ClinVar's aggregate classification.
Comment: This variant is classified as likely benign based on ACMG/AMP sequence variant interpretation guidelines (Richards et al. 2015 PMID: 25741868, with internal and published modifications).

NM_003489.4(NRIP1):c.2229G>A (p.Glu743=)

Gene: NRIP1 (nuclear receptor interacting protein 1; minus strand). Cytogenetic location: 21q11.2.
Variant type: single nucleotide variant.
Coding change: c.2229G>A on transcript NM_003489.4 (MANE Select); coding-DNA position 2229, G replaced by A.
Protein change: p.Glu743=; no amino-acid change (glutamic acid 743 retained).
Molecular consequence: synonymous variant.
Genome position (GRCh38, 1-based): chr21:14,965,964, C>T on the plus strand (G>A on the coding strand, the complement: NRIP1 is on the minus strand). VCF-style: chr21-14965964-C-T. GRCh37 (hg19) VCF-style: chr21-16338285-C-T.
Other names: c.2229G>A (NM_003489.3).
Identifiers: ClinVar variation 2916279 (VCV002916279.5), dbSNP rs760052068, ClinGen allele CA9981187.